The following is an entry in ClinVar:

ClinVar aggregate classification (germline): Uncertain significance (1 of 4 stars; one submission).

Conditions:
Cardiovascular phenotype. Identifiers: MedGen CN230736.

Allele frequency attached by ClinVar (database versions not stated): TOPMed 0.00001; gnomAD 0.00002.
gnomAD v4.1: 3 of 1,614,104 alleles (0.00019%); highest among the groups gnomAD compares: African/African-American, 0.004%; no homozygotes.

Submission:

Ambry Genetics
Classification: Uncertain significance for Cardiovascular phenotype. Last evaluated: 2025-08-20. Review status: criteria provided, single submitter. Criteria: Ambry Variant Classification Scheme 2023. Collection method: clinical testing. Allele origin: germline.
Comment: The p.S1152P variant (also known as c.3454T>C), located in coding exon 22 of the APOB gene, results from a T to C substitution at nucleotide position 3454. The serine at codon 1152 is replaced by proline, an amino acid with similar properties. This amino acid position is conserved. In addition, the in silico prediction for this alteration is inconclusive. Since supporting evidence is limited at this time, the clinical significance of this alteration remains unclear.

NM_000384.3(APOB):c.3454T>C (p.Ser1152Pro)

Gene: APOB (apolipoprotein B; minus strand). Cytogenetic location: 2p24.1.
Variant type: single nucleotide variant.
Coding change: c.3454T>C on transcript NM_000384.3 (MANE Select); coding-DNA position 3454, T replaced by C.
Protein change: p.Ser1152Pro; replaces serine 1152 with proline.
Molecular consequence: missense variant.
Genome position (GRCh38, 1-based): chr2:21,015,424, A>G on the plus strand (T>C on the coding strand, the complement: APOB is on the minus strand). VCF-style: chr2-21015424-A-G. GRCh37 (hg19) VCF-style: chr2-21238296-A-G.
Other names: short protein forms S1152P.
Identifiers: ClinVar variation 1731586 (VCV001731586.3), dbSNP rs918160317, ClinGen allele CA43513847.
Genomic context (GRCh38, chr2:21,015,424, plus strand): 5'-ACATACCATAATGCCATGCCACCCTCTTGGAAACTGTGGAGCCATAAGCTGTAGCAGATG[A>G]GTCCATTTGGAGAAGCAGTTTGGCAGGCGACCAGTGGGCGAGGATCTCACTTCTGGCTTC-3'
Protein context (NP_000375.3, residues 1142-1162): SPAKLLLQMD[Ser1152Pro]SATAYGSTVS